The following is an entry in ClinVar:

ClinVar aggregate classification (germline): Uncertain significance (1 of 4 stars; one submission).

Conditions:
PTPRS-related disorder. Also called: PTPRS-related condition.

Submission:

PreventionGenetics, part of Exact Sciences
Classification: Uncertain significance for PTPRS-related condition. Last evaluated: 2025-12-09. Review status: criteria provided, single submitter. Criteria: ACMG Guidelines, 2015. Collection method: clinical testing. Allele origin: germline.
Comment: The PTPRS c.5419G>A variant is predicted to result in the amino acid substitution p.Val1807Ile. To our knowledge, this variant has not been reported in the literature or in a large population database (gnomAD), indicating this variant is rare. At this time, the clinical significance of this variant is uncertain due to the absence of conclusive functional and genetic evidence.

NM_002850.4(PTPRS):c.5419G>A (p.Val1807Ile)

Gene: PTPRS (protein tyrosine phosphatase receptor type S; minus strand). Cytogenetic location: 19p13.3.
Variant type: single nucleotide variant.
Coding change: c.5419G>A on transcript NM_002850.4 (MANE Select); coding-DNA position 5419, G replaced by A.
Protein change: p.Val1807Ile; replaces valine 1807 with isoleucine.
Molecular consequence: missense variant.
Genome position (GRCh38, 1-based): chr19:5,210,537, C>T on the plus strand (G>A on the coding strand, the complement: PTPRS is on the minus strand). VCF-style: chr19-5210537-C-T. GRCh37 (hg19) VCF-style: chr19-5210548-C-T.
Other names: c.5353G>A, p.Val1785Ile (NM_001394011.1); c.5332G>A, p.Val1778Ile (NM_001394012.1); c.5293G>A, p.Val1765Ile (NM_001394013.1); c.4078G>A, p.Val1360Ile (NM_130853.3); c.5305G>A, p.Val1769Ile (NM_130854.3); c.4090G>A, p.Val1364Ile (NM_130855.3); short protein forms V1360I, V1364I, V1778I, V1807I, V1785I, V1765I, V1769I.
Identifiers: ClinVar variation 4993139 (VCV004993139.1).